The following is an entry in ClinVar:

ClinVar aggregate classification (germline): Pathogenic (1 of 4 stars; one submission).

Conditions:
Tuberous sclerosis 2 (TSC2). Identifiers: Orphanet 805, MedGen C1860707, MONDO:0013199, OMIM 613254.

Submission:

Labcorp Genetics (formerly Invitae), Labcorp
Classification: Pathogenic for Tuberous sclerosis 2. Last evaluated: 2018-10-06. Review status: criteria provided, single submitter. Criteria: Invitae Variant Classification Sherloc (09022015). Collection method: clinical testing. Allele origin: germline.
Comment: This sequence change affects a donor splice site in intron 12 of the TSC2 gene. It is expected to disrupt RNA splicing and likely results in an absent or disrupted protein product. This variant is not present in population databases (ExAC no frequency). Variants affecting this splice dinucleotide have been observed in individuals affected with tuberous sclerosis complex in the Leiden Open-source Variation Database and the literature (PMID: 21520333, 10205261). Donor and acceptor splice site variants typically lead to a loss of protein function (PMID: 16199547), and loss-of-function variants in TSC2 are known to be pathogenic (PMID: 10205261, 17304050). For these reasons, this variant has been classified as Pathogenic.

Literature cited by the submitters: PubMed 21520333; PubMed 10205261; PubMed 16199547; PubMed 17304050.

NM_000548.5(TSC2):c.1257+1G>C

Gene: TSC2 (TSC complex subunit 2; plus strand). Cytogenetic location: 16p13.3.
Variant type: single nucleotide variant.
Coding change: c.1257+1G>C on transcript NM_000548.5 (MANE Select); the canonical splice donor site of the intron after coding-DNA position 1257, G replaced by C.
Molecular consequence: splice donor variant.
Genome position (GRCh38, 1-based): chr16:2,062,009, G>C. VCF-style: chr16-2062009-G-C. GRCh37 (hg19) VCF-style: chr16-2112010-G-C.
Other names: c.1257+1G>C (NM_001114382.3, NM_001406663.1, NM_001406664.1 and 6 more transcripts); c.1146+1G>C (NM_001406670.1, NM_001318827.2, NM_001406678.1); c.657+1G>C (NM_001406682.1, NM_001406684.1, NM_001406685.1 and 6 more transcripts); c.-56+1G>C (NM_001406694.1, NM_001406695.1); c.-88+1G>C (NM_001406696.1, NM_001406693.1, NM_001406689.1 and 4 more transcripts); c.1245+1G>C (NM_001406671.1, NM_001406673.1); c.795+1G>C (NM_001406681.1); c.1200+1G>C (NM_001406677.1); and 4 more.
Identifiers: ClinVar variation 656920 (VCV000656920.9), dbSNP rs397515066, ClinGen allele CA394321570.